The following is an entry in ClinVar:

NM_006516.4(SLC2A1):c.680-12C>T

Gene: SLC2A1 (solute carrier family 2 member 1; minus strand). Cytogenetic location: 1p34.2.
Variant type: single nucleotide variant.
Coding change: c.680-12C>T on transcript NM_006516.4 (MANE Select); 12 bases into the intron before coding-DNA position 680, C replaced by T.
Molecular consequence: intron variant.
Genome position (GRCh38, 1-based): chr1:42,929,792, G>A on the plus strand (C>T on the coding strand, the complement: SLC2A1 is on the minus strand). VCF-style: chr1-42929792-G-A. GRCh37 (hg19) VCF-style: chr1-43395463-G-A.
Other names: p.?; c.680-12C>T (NM_006516.3).
Identifiers: ClinVar variation 139162 (VCV000139162.14), dbSNP rs150960456, ClinGen allele CA019273.
Genomic context (GRCh38, chr1:42,929,792, plus strand): 5'-TCCTGCAGGTCATGGGTCACGTCAGCTGTCCCGCGCAGCTTCTTTAGCACTGGGGGGACC[G>A]GAGGGAAGGTGAGGGTGGCTCAGAGTGGGAAGAAGGCCAGGGCTCAGGGAGTGGGGAGGA-3'

ClinVar aggregate classification (germline): Benign/Likely benign. Review status: criteria provided, multiple submitters, no conflicts (2 of 4 stars). 11 submissions from 7 submitters: Benign (7); Likely benign (4). Last evaluated 2026-05-04.

Conditions:
Hereditary cryohydrocytosis with reduced stomatin. Also called: Stomatin-deficient cryohydrocytosis with neurologic defects; GLUT1 DEFICIENCY SYNDROME WITH PSEUDOHYPERKALEMIA AND HEMOLYSIS. Identifiers: Orphanet 168577, MedGen C1837206, MONDO:0012143, OMIM 608885.
Encephalopathy due to GLUT1 deficiency. Also called: GLUCOSE TRANSPORT DEFECT, BLOOD-BRAIN BARRIER; Glucose transporter protein syndrome; GLUT1 deficiency syndrome 1, infantile onset, severe; Classic Glucose Transporter Type 1 Deficiency Syndrome; GLUT1 deficiency syndrome 1; De Vivo disease. Identifiers: Orphanet 71277, MedGen C4551966, MONDO:0011724, OMIM 606777.
Childhood onset GLUT1 deficiency syndrome 2. Also called: Exertion-induced paroxysmal dyskinesia; PxMD-SLC2A1; PAROXYSMAL EXERCISE-INDUCED DYSKINESIA WITH OR WITHOUT EPILEPSY AND/OR HEMOLYTIC ANEMIA; PAROXYSMAL EXERTION-INDUCED DYSTONIA WITH OR WITHOUT EPILEPSY AND/OR HEMOLYTIC ANEMIA; PED WITH OR WITHOUT EPILEPSY AND/OR HEMOLYTIC ANEMIA; Paroxysmal exercise-induced dystonia. Identifiers: Orphanet 98811, MedGen C1842534, MONDO:0012805, OMIM 612126.
Epilepsy, idiopathic generalized, susceptibility to, 12 (EIG12). Identifiers: MedGen C3553859, MONDO:0013919, OMIM 614847.
Dystonia 9 (DYT9). Also called: CHOREOATHETOSIS, KINESIGENIC, WITH EPISODIC ATAXIA AND SPASTICITY. Identifiers: Orphanet 53583, MedGen C1832855, MONDO:0010983, OMIM 601042.
GLUT1 deficiency syndrome 1, autosomal recessive. Identifiers: MedGen C3149117.

Allele frequency attached by ClinVar (database versions not stated): gnomAD exomes 0.00030 and 0.00031; ExAC 0.00035; gnomAD 0.00086 and 0.00088; TOPMed 0.00095; ESP Exome Variant Server 0.00115; 1000 Genomes Project 30x 0.00125; 1000 Genomes Project 0.00140.
gnomAD v4.1: 576 of 1,614,222 alleles (0.036%); highest among the groups gnomAD compares: African/African-American, 0.29%; no homozygotes.

Submissions (11):

Women's Health and Genetics/Laboratory Corporation of America, LabCorp
Classification: Likely benign. Last evaluated: 2026-05-04. Review status: criteria provided, single submitter. Criteria: LabCorp Variant Classification Summary - May 2015. Collection method: clinical testing. Allele origin: germline.

Labcorp Genetics (formerly Invitae), Labcorp
Classification: Benign for GLUT1 deficiency syndrome 1, autosomal recessive. Last evaluated: 2025-12-28. Review status: criteria provided, single submitter. Criteria: Invitae Variant Classification Sherloc (09022015). Collection method: clinical testing. Allele origin: germline.

Mayo Clinic Laboratories, Mayo Clinic
Classification: Likely benign. Last evaluated: 2025-09-23. Review status: criteria provided, single submitter. Criteria: ACMG Guidelines, 2015. Collection method: clinical testing. Allele origin: germline. Observed: 11 variant alleles.
Comment: BS1, BP4, BP7

Blueprint Genetics
Classification: Likely benign. Last evaluated: 2024-09-20. Review status: criteria provided, single submitter. Criteria: ACMG Guidelines, 2015. Collection method: clinical testing. Allele origin: germline.

Genome-Nilou Lab
Classification: Benign for Epilepsy, idiopathic generalized, susceptibility to, 12. Last evaluated: 2023-04-11. Review status: criteria provided, single submitter. Criteria: ACMG Guidelines, 2015. Collection method: clinical testing. Allele origin: germline. Affected: no.

Genome-Nilou Lab
Classification: Benign for Dystonia 9. Last evaluated: 2023-04-11. Review status: criteria provided, single submitter. Criteria: ACMG Guidelines, 2015. Collection method: clinical testing. Allele origin: germline. Affected: no.

Genome-Nilou Lab
Classification: Benign for Encephalopathy due to GLUT1 deficiency. Last evaluated: 2023-04-11. Review status: criteria provided, single submitter. Criteria: ACMG Guidelines, 2015. Collection method: clinical testing. Allele origin: germline. Affected: no.

Genome-Nilou Lab
Classification: Benign for Childhood onset GLUT1 deficiency syndrome 2. Last evaluated: 2023-04-11. Review status: criteria provided, single submitter. Criteria: ACMG Guidelines, 2015. Collection method: clinical testing. Allele origin: germline. Affected: no.

Genome-Nilou Lab
Classification: Benign for Hereditary cryohydrocytosis with reduced stomatin. Last evaluated: 2023-04-11. Review status: criteria provided, single submitter. Criteria: ACMG Guidelines, 2015. Collection method: clinical testing. Allele origin: germline. Affected: no.

Fulgent Genetics
Classification: Likely benign for Dystonia 9; Encephalopathy due to GLUT1 deficiency; Hereditary cryohydrocytosis with reduced stomatin; Childhood onset GLUT1 deficiency syndrome 2; Epilepsy, idiopathic generalized, susceptibility to, 12. Last evaluated: 2021-10-05. Review status: criteria provided, single submitter. Criteria: ACMG Guidelines, 2015. Collection method: clinical testing. Allele origin: unknown.

GeneDx
Classification: Benign. Last evaluated: 2013-10-04. Review status: criteria provided, single submitter. Criteria: GeneDx Variant Classification (06012015). Collection method: clinical testing. Allele origin: germline. Affected: yes.
Comment: This variant is considered likely benign or benign based on one or more of the following criteria: it is a conservative change, it occurs at a poorly conserved position in the protein, it is predicted to be benign by multiple in silico algorithms, and/or has population frequency not consistent with disease.